The following is an entry in ClinVar:

NM_001009944.3(PKD1):c.690C>A (p.Cys230Ter)

Gene: PKD1 (polycystin 1, transient receptor potential channel interacting; minus strand). Cytogenetic location: 16p13.3.
Variant type: single nucleotide variant.
Coding change: c.690C>A on transcript NM_001009944.3 (MANE Select); coding-DNA position 690, C replaced by A.
Protein change: p.Cys230Ter; replaces cysteine 230 with a stop codon.
Molecular consequence: nonsense.
Genome position (GRCh38, 1-based): chr16:2,118,302, G>T on the plus strand (C>A on the coding strand, the complement: PKD1 is on the minus strand). VCF-style: chr16-2118302-G-T. GRCh37 (hg19) VCF-style: chr16-2168303-G-T.
Other names: c.690C>A, p.Cys230Ter (NM_000296.4); short protein forms C230*.
Identifiers: ClinVar variation 3376943 (VCV003376943.2).

ClinVar aggregate classification (germline): Pathogenic. Review status: criteria provided, multiple submitters, no conflicts (2 of 4 stars). 2 submissions from 2 submitters: Pathogenic (2). Last evaluated 2024-11-16.

Conditions:
Polycystic kidney disease, adult type (PKD1). Also called: POLYCYSTIC KIDNEY DISEASE, ADULT, TYPE I; Polycystic Kidney Disease 1, Autosomal Dominant; Polycystic kidney disease 1; Polycystic kidney disease 1, severe; Polycystic Kidney, Autosomal Dominant; POLYCYSTIC KIDNEY DISEASE 1 WITH OR WITHOUT POLYCYSTIC LIVER DISEASE. Identifiers: MedGen C3149841, MONDO:0008263, OMIM 173900.
PKD1-related disorder. Also called: PKD1-related condition.

Submissions (2):

PreventionGenetics, part of Exact Sciences
Classification: Pathogenic for PKD1-related condition. Last evaluated: 2024-11-16. Review status: criteria provided, single submitter. Criteria: ACMG Guidelines, 2015. Collection method: clinical testing. Allele origin: germline.
Comment: The PKD1 c.690C>A variant is predicted to result in premature protein termination (p.Cys230*). This variant was reported in individuals with autosomal dominant polycystic kidney disease (ADPKD) (Rossetti et al. 2002. PubMed ID: 11967008; Kim et al. 2021. PubMed ID: 32816041). This variant has not been reported in a large population database (gnomAD), indicating this variant is rare. Nonsense variants in PKD1 are expected to be pathogenic. This variant is interpreted as pathogenic.

Victorian Clinical Genetics Services, Murdoch Childrens Research Institute
Classification: Pathogenic for Polycystic kidney disease, adult type. Last evaluated: 2024-10-11. Review status: criteria provided, single submitter. Criteria: ACMG Guidelines, 2015. Collection method: clinical testing. Allele origin: germline. Inheritance: Autosomal dominant inheritance. Affected: yes.
Comment: Based on the classification scheme VCGS_Germline_v1.3.5, this variant is classified as Pathogenic. Following criteria are met: 0102 - Loss of function is a known mechanism of disease in this gene and is associated with polycystic kidney disease 1 (MIM#173900). (I) 0107 - This gene is associated with autosomal dominant disease. (I) 0201 - Variant is predicted to cause nonsense-mediated decay (NMD) and loss of protein (premature termination codon is located at least 54 nucleotides upstream of the final exon-exon junction). (SP) 0251 - This variant is heterozygous. (I) 0301 - Variant is absent from gnomAD (v2, v3 and v4). (SP) 0701 - Other NMD predicted variants comparable to the one identified in this case have very strong previous evidence for pathogenicity (DECIPHER). (SP) 0803 - This variant has limited previous evidence of pathogenicity in unrelated individuals. This variant has been reported in individuals with polycystic kidney disease (PMID: 11967008, PMID: 12842373, PMID: 32816041). (SP) 0905 - No published segregation evidence has been identified for this variant. (I) 1007 - No published functional evidence has been identified for this variant. (I) 1208 - Inheritance information for this variant is not currently available in this individual. (I) Legend: (SP) - Supporting pathogenic, (I) - Information, (SB) - Supporting benign

Literature cited by the submitters: PubMed 11967008 (cited by Victorian Clinical Genetics Services, Murdoch Childrens Research Institute); PubMed 12842373 (cited by Victorian Clinical Genetics Services, Murdoch Childrens Research Institute); PubMed 32816041 (cited by Victorian Clinical Genetics Services, Murdoch Childrens Research Institute).